The following is an entry in ClinVar:

ClinVar aggregate classification (germline): Pathogenic. Review status: criteria provided, multiple submitters, no conflicts (2 of 4 stars). 8 submissions from 8 submitters: Pathogenic (7). 1 of the submissions does not count toward it. Last evaluated 2025-12-10.

Conditions:
Bloom syndrome (BLM). Also called: Bloom-Torre-Machacek syndrome. Identifiers: Orphanet 125, MedGen C0005859, MONDO:0008876, OMIM 210900.
Hereditary cancer-predisposing syndrome. Also called: Hereditary neoplastic syndrome; Neoplastic Syndromes, Hereditary; Hereditary Cancer Syndrome; Tumor predisposition. Identifiers: Orphanet 140162, MedGen C0027672, MeSH D009386, MONDO:0015356.

Allele frequency attached by ClinVar (database versions not stated): gnomAD exomes below 0.00001 and 0.00001.
gnomAD v4.1: 9 of 1,614,182 alleles (0.00056%); highest among the groups gnomAD compares: Non-Finnish European, 0.00068%; no homozygotes.

Submissions (8):

Myriad Genetics, Inc.
Classification: Pathogenic for Bloom syndrome. Last evaluated: 2025-12-10. Review status: criteria provided, single submitter. Criteria: Myriad Autosomal Dominant, Autosomal Recessive and X-Linked Classification Criteria (2023). Collection method: clinical testing. Allele origin: unknown.
Comment: This variant is considered pathogenic. This variant creates a termination codon and is predicted to result in premature protein truncation.

Labcorp Genetics (formerly Invitae), Labcorp
Classification: Pathogenic for Bloom syndrome. Last evaluated: 2025-07-27. Review status: criteria provided, single submitter. Criteria: Invitae Variant Classification Sherloc (09022015). Collection method: clinical testing. Allele origin: germline.
Comment: This sequence change creates a premature translational stop signal (p.Gln1283*) in the BLM gene. It is expected to result in an absent or disrupted protein product. Loss-of-function variants in BLM are known to be pathogenic (PMID: 17407155). This variant is present in population databases (rs367543031, gnomAD 0.003%). This premature translational stop signal has been observed in individual(s) with Bloom syndrome (PMID: 17407155). ClinVar contains an entry for this variant (Variation ID: 42089). For these reasons, this variant has been classified as Pathogenic.

Natera, Inc.
Classification: Pathogenic for Bloom syndrome. Last evaluated: 2025-06-30. Review status: criteria provided, single submitter. Criteria: Natera Variant Classification Schema (03/2026). Collection method: clinical testing. Allele origin: germline.
Comment: The c.3847C>T variant in BLM is a nonsense variant predicted to introduce a stop codon at amino acid 1283. This variant is expected to result in nonsense mediated decay, truncation, or a dysfunctional protein product. This variant is rare in the general population with a frequency below the threshold expected for the associated phenotype(s). This variant has been observed in one or more individuals affected with the associated recessive disease, as either homozygous or compound heterozygous with a second variant (PMID: 17407155). Given the available evidence, this variant is classified as Pathogenic.

ARUP Laboratories, Molecular Genetics and Genomics, ARUP Laboratories
Classification: Pathogenic for Bloom syndrome. Last evaluated: 2024-08-21. Review status: criteria provided, single submitter. Criteria: ARUP Molecular Germline Variant Investigation Process 2024. Collection method: clinical testing. Allele origin: germline.
Comment: The BLM c.3847C>T; p.Gln1283Ter variant (rs367543031, ClinVar Variation ID: 42089) is reported in the literature in the homozygous state in at least one individual affected with Bloom syndrome (German 2007). This variant is only observed on one allele in the Genome Aggregation Database (v2.1.1), indicating it is not a common polymorphism. This variant induces an early termination codon and is predicted to result in a truncated protein or mRNA subject to nonsense-mediated decay. Based on available information, this variant is considered to be pathogenic. References: German J et al. Syndrome-causing mutations of the BLM gene in persons in the Bloom's Syndrome Registry. Hum Mutat. 2007 Aug;28(8):743-53. PMID: 17407155.

Baylor Genetics
Classification: Pathogenic for Bloom syndrome. Last evaluated: 2023-04-16. Review status: criteria provided, single submitter. Criteria: ACMG Guidelines, 2015. Collection method: clinical testing. Allele origin: unknown.

Ambry Genetics
Classification: Pathogenic for Hereditary cancer-predisposing syndrome. Last evaluated: 2022-07-28. Review status: criteria provided, single submitter. Criteria: Ambry Variant Classification Scheme 2023. Collection method: clinical testing. Allele origin: germline.
Comment: The p.Q1283* pathogenic mutation (also known as c.3847C>T), located in coding exon 19 of the BLM gene, results from a C to T substitution at nucleotide position 3847. This changes the amino acid from a glutamine to a stop codon within coding exon 19. This variant was reported in a homozygous state in 1/134 patients from a Bloom syndrome registry (German J et al. Hum. Mutat. 2007 Aug;28:743-53). In a pan-ethnic population screen for Bloom syndrome carrier status, this variant was reported in 3/22864 individuals (Perreault-Micale C et al. Mol Genet Genomic Med. 2015 Jul;3:363-73). This variant is considered to be rare based on population cohorts in the Genome Aggregation Database (gnomAD). In addition to the clinical data presented in the literature, this alteration is expected to result in loss of function by premature protein truncation or nonsense-mediated mRNA decay. As such, this alteration is interpreted as a disease-causing mutation.

Women's Health and Genetics/Laboratory Corporation of America, LabCorp
Classification: Pathogenic for Bloom syndrome. Last evaluated: 2022-03-09. Review status: criteria provided, single submitter. Criteria: LabCorp Variant Classification Summary - May 2015. Collection method: clinical testing. Allele origin: germline.
Comment: Variant summary: BLM c.3847C>T (p.Gln1283X) results in a premature termination codon, predicted to cause a truncation of the encoded protein or absence of the protein due to nonsense mediated decay, which are commonly known mechanisms for disease. The variant allele was found at a frequency of 4e-06 in 251478 control chromosomes. c.3847C>T has been reported in the literature as a homozygous genotype in at-least one in individual affected with Bloom Syndrome (example, German_2007). To our knowledge, no experimental evidence demonstrating an impact on protein function has been reported. Two clinical diagnostic laboratories have submitted clinical-significance assessments for this variant to ClinVar after 2014 without evidence for independent evaluation. All laboratories classified the variant as pathogenic/likely pathogenic. Based on the evidence outlined above, the variant was classified as pathogenic.

Counsyl
Classification: Likely pathogenic for Bloom syndrome. Last evaluated: 2017-08-16. Review status: no assertion criteria provided. Collection method: clinical testing. Allele origin: unknown. Not counted in ClinVar's aggregate classification.

Literature cited by the submitters: PubMed 17407155 (cited by 5 submitters); PubMed 26247052 (cited by Ambry Genetics).

NM_000057.4(BLM):c.3847C>T (p.Gln1283Ter)

Gene: BLM (BLM RecQ like helicase; plus strand). Cytogenetic location: 15q26.1.
Variant type: single nucleotide variant.
Coding change: c.3847C>T on transcript NM_000057.4 (MANE Select); coding-DNA position 3847, C replaced by T.
Protein change: p.Gln1283Ter; replaces glutamine 1283 with a stop codon.
Molecular consequence: nonsense.
Genome position (GRCh38, 1-based): chr15:90,809,232, C>T. VCF-style: chr15-90809232-C-T. GRCh37 (hg19) VCF-style: chr15-91352462-C-T.
Other names: c.3847C>T (LRG_20t1); c.3847C>T, p.Gln1283Ter (NM_001287246.2); c.3454C>T, p.Gln1152Ter (NM_001287247.2); c.2722C>T, p.Gln908Ter (NM_001287248.2); short protein forms Q1283*, Q908*, Q1152*.
Identifiers: ClinVar variation 42089 (VCV000042089.22), dbSNP rs367543031, ClinGen allele CA344538.
Genomic context (GRCh38, chr15:90,809,232, plus strand): 5'-ATTGATGGTGTTACTGAAGACAAACTGGAAAAATATGGTGCGGAAGTGATTTCAGTATTA[C>T]AGAAATACTCTGAATGGACATCGCCAGGTTAGTACACAGCCATGTGTGTTCTCTAAAAGC-3'